The following is an entry in ClinVar:

NM_004174.4(SLC9A3):c.805G>A (p.Ala269Thr)

Gene: SLC9A3 (solute carrier family 9 member A3). Cytogenetic location: 5p15.33.
Variant type: single nucleotide variant.
Coding change: c.805G>A on transcript NM_004174.4 (MANE Select); coding-DNA position 805, G replaced by A.
Protein change: p.Ala269Thr; replaces alanine 269 with threonine.
Molecular consequence: missense variant.
Genome position (GRCh38, 1-based): chr5:484,647, C>T on the plus strand (G>A on the coding strand, the complement: SLC9A3 is on the minus strand). VCF-style: chr5-484647-C-T. GRCh37 (hg19) VCF-style: chr5-484762-C-T.
Other names: c.805G>A, p.Ala269Thr (NM_001284351.3); c.805G>A (NM_004174.3); short protein forms A269T.
Identifiers: ClinVar variation 224599 (VCV000224599.41), dbSNP rs869312807, ClinGen allele CA358653.

ClinVar aggregate classification (germline): Pathogenic/Likely pathogenic. Review status: criteria provided, multiple submitters, no conflicts (2 of 4 stars). 3 submissions from 3 submitters: Pathogenic (1); Likely pathogenic (1). 1 of the submissions does not count toward it. Last evaluated 2025-01-22.

Conditions:
Congenital secretory sodium diarrhea 8. Identifiers: Orphanet 103908, MedGen C5441928, MONDO:0014808, OMIM 616868.

Allele frequency attached by ClinVar (database versions not stated): gnomAD exomes below 0.00001; TOPMed below 0.00001; gnomAD 0.00001.

Submissions (3):

GeneDx
Classification: Likely pathogenic. Last evaluated: 2025-01-22. Review status: criteria provided, single submitter. Criteria: GeneDx Variant Classification Process June 2021. Collection method: clinical testing. Allele origin: germline. Affected: yes.
Comment: In vitro studies show that this variant has reduced function due to having less expression at the cell surface (PMID: 26358773); Not observed at significant frequency in large population cohorts (gnomAD); In silico analysis supports that this missense variant has a deleterious effect on protein structure/function; This variant is associated with the following publications: (PMID: 26358773)

CeGaT Center for Human Genetics Tuebingen
Classification: Pathogenic. Last evaluated: 2020-10-01. Review status: criteria provided, single submitter. Criteria: CeGaT Center For Human Genetics Tuebingen Variant Classification Criteria Version 2. Collection method: clinical testing. Allele origin: germline. Affected: yes. Observed: 2 variant alleles.

OMIM
Classification: Pathogenic for DIARRHEA 8, SECRETORY SODIUM, CONGENITAL. Last evaluated: 2016-10-06. Review status: no assertion criteria provided. Collection method: literature only. Allele origin: germline. Not counted in ClinVar's aggregate classification.

Literature cited by the submitters: PubMed 26358773 (cited by OMIM).